The following is an entry in ClinVar:

NM_052961.4(SLC26A8):c.837C>A (p.Thr279=)

Gene: SLC26A8 (solute carrier family 26 member 8; minus strand). Cytogenetic location: 6p21.31.
Variant type: single nucleotide variant.
Coding change: c.837C>A on transcript NM_052961.4 (MANE Select); coding-DNA position 837, C replaced by A.
Protein change: p.Thr279=; no amino-acid change (threonine 279 retained).
Molecular consequence: synonymous variant. On other transcripts: intron variant (1).
Genome position (GRCh38, 1-based): chr6:35,991,764, G>T on the plus strand (C>A on the coding strand, the complement: SLC26A8 is on the minus strand). VCF-style: chr6-35991764-G-T. GRCh37 (hg19) VCF-style: chr6-35959541-G-T.
Other names: c.837C>A, p.Thr279= (NM_001193476.2); c.627+5974C>A (NM_138718.3).
Identifiers: ClinVar variation 3042448 (VCV003042448.2), dbSNP rs1387517749, ClinGen allele CA449957263.

ClinVar aggregate classification (germline): Likely benign (0 of 4 stars; one submission).

Conditions:
SLC26A8-related disorder. Also called: SLC26A8-related condition.

Allele frequency attached by ClinVar (database versions not stated): gnomAD exomes below 0.00001; gnomAD 0.00001; TOPMed 0.00001.
gnomAD v4.1: 7 of 1,602,276 alleles (0.00044%); highest among the groups gnomAD compares: Non-Finnish European, 0.0006%; no homozygotes.

Submission:

PreventionGenetics, part of Exact Sciences
Classification: Likely benign for SLC26A8-related condition. Last evaluated: 2019-07-03. Review status: no assertion criteria provided. Collection method: clinical testing. Allele origin: germline.
Comment: This variant is classified as likely benign based on ACMG/AMP sequence variant interpretation guidelines (Richards et al. 2015 PMID: 25741868, with internal and published modifications).